The following is an entry in ClinVar:

ClinVar aggregate classification (germline): Uncertain significance. Review status: criteria provided, multiple submitters, no conflicts (2 of 4 stars). 3 submissions from 3 submitters: Uncertain significance (3). Last evaluated 2025-07-15.

Conditions:
Fibromuscular dysplasia, multifocal. Identifiers: MedGen C5543412, MONDO:0859151, OMIM 619329.
Ehlers-Danlos syndrome, classic type, 1 (EDSCL1). Also called: EDS I; EHLERS-DANLOS SYNDROME, GRAVIS TYPE; EHLERS-DANLOS SYNDROME, SEVERE CLASSIC TYPE; Ehlers-Danlos Syndrome, Classic Type, COL5A1-Related; Ehlers-Danlos syndrome, type 1. Identifiers: MedGen C0268335, MONDO:0019567, OMIM 130000.

Allele frequency attached by ClinVar (database versions not stated): gnomAD exomes 0.00001 and below 0.00001; gnomAD 0.00001.
gnomAD v4.1: 15 of 1,614,052 alleles (0.00093%); highest among the groups gnomAD compares: East Asian, 0.0022%; no homozygotes.

Submissions (3):

Labcorp Genetics (formerly Invitae), Labcorp
Classification: Uncertain significance for Ehlers-Danlos syndrome, classic type, 1. Last evaluated: 2025-07-15. Review status: criteria provided, single submitter. Criteria: Invitae Variant Classification Sherloc (09022015). Collection method: clinical testing. Allele origin: germline.
Comment: This sequence change replaces glycine, which is neutral and non-polar, with arginine, which is basic and polar, at codon 937 of the COL5A1 protein (p.Gly937Arg). This variant is present in population databases (no rsID available, gnomAD 0.003%). This variant has not been reported in the literature in individuals affected with COL5A1-related conditions. ClinVar contains an entry for this variant (Variation ID: 654616). Invitae Evidence Modeling of protein sequence and biophysical properties (such as structural, functional, and spatial information, amino acid conservation, physicochemical variation, residue mobility, and thermodynamic stability) indicates that this missense variant is expected to disrupt COL5A1 protein function with a positive predictive value of 95%. This variant disrupts the triple helix domain of COL5A1. Glycine residues within the Gly-Xaa-Yaa repeats of the triple helix domain are required for the structure and stability of fibrillar collagens (PMID: 7695699, 8218237, 19344236), and variants at these glycine residues in COL5A1 are more frequently observed in individuals with disease than in the general population (PMID: 22696272, 23587214). However, the clinical significance of this observation remains uncertain since only a limited number of affected individuals have been described to date. In summary, the available evidence is currently insufficient to determine the role of this variant in disease. Therefore, it has been classified as a Variant of Uncertain Significance.

GeneDx
Classification: Uncertain significance. Last evaluated: 2025-01-10. Review status: criteria provided, single submitter. Criteria: GeneDx Variant Classification Process June 2021. Collection method: clinical testing. Allele origin: germline. Affected: yes.
Comment: Not observed at significant frequency in large population cohorts (gnomAD); In silico analysis supports that this missense variant has a deleterious effect on protein structure/function; Has not been previously published in association with Ehlers-Danlos syndrome to our knowledge; This variant is associated with the following publications: (PMID: 27389594, 22696272)

Juno Genomics, Hangzhou Juno Genomics, Inc
Classification: Uncertain significance for Ehlers-Danlos syndrome, classic type, 1; Fibromuscular dysplasia, multifocal. Review status: criteria provided, single submitter. Criteria: ACMG Guidelines, 2015. Collection method: clinical testing. Allele origin: germline. Affected: yes.
Comment: Absent from controls (or at extremely low frequency if recessive) in Genome Aggregation Database, Exome Sequencing Project, 1000 Genomes Project, or Exome Aggregation Consortium.;Multiple lines of computational evidence support a deleterious effect on the gene or gene product (conservation, evolutionary, splicing impact, etc).;Missense variant in a gene that has a low rate of benign missense variation and where missense variants are a common mechanism of disease.;Located in a mutational hot spot and/or critical and well-established functional domain (e.g. active site of an enzyme) without benign variation.

Literature cited by the submitters: PubMed 7695699 (cited by Labcorp Genetics (formerly Invitae), Labcorp); PubMed 8218237 (cited by Labcorp Genetics (formerly Invitae), Labcorp); PubMed 19344236 (cited by Labcorp Genetics (formerly Invitae), Labcorp); PubMed 22696272 (cited by Labcorp Genetics (formerly Invitae), Labcorp); PubMed 23587214 (cited by Labcorp Genetics (formerly Invitae), Labcorp).

NM_000093.5(COL5A1):c.2809G>A (p.Gly937Arg)

Gene: COL5A1 (collagen type V alpha 1 chain; plus strand). Cytogenetic location: 9q34.3.
Variant type: single nucleotide variant.
Coding change: c.2809G>A on transcript NM_000093.5 (MANE Select); coding-DNA position 2809, G replaced by A.
Protein change: p.Gly937Arg; replaces glycine 937 with arginine.
Molecular consequence: missense variant.
Genome position (GRCh38, 1-based): chr9:134,796,383, G>A. VCF-style: chr9-134796383-G-A. GRCh37 (hg19) VCF-style: chr9-137688229-G-A.
Other names: c.2809G>A, p.Gly937Arg (NM_001278074.1); short protein forms G937R.
Identifiers: ClinVar variation 654616 (VCV000654616.14), dbSNP rs1330022009, ClinGen allele CA375456930.